The following is an entry in ClinVar:

NM_001379286.1(ZNF423):c.3014T>A (p.Leu1005Gln)

Gene: ZNF423 (zinc finger protein 423; minus strand). Cytogenetic location: 16q12.1.
Variant type: single nucleotide variant.
Coding change: c.3014T>A on transcript NM_001379286.1 (MANE Select); coding-DNA position 3014, T replaced by A.
Protein change: p.Leu1005Gln; replaces leucine 1005 with glutamine.
Molecular consequence: missense variant.
Genome position (GRCh38, 1-based): chr16:49,636,162, A>T on the plus strand (T>A on the coding strand, the complement: ZNF423 is on the minus strand). VCF-style: chr16-49636162-A-T. GRCh37 (hg19) VCF-style: chr16-49670073-A-T.
Other names: c.2810T>A, p.Leu937Gln (NM_001271620.2); c.2639T>A, p.Leu880Gln (NM_001330533.2); c.2990T>A, p.Leu997Gln (NM_015069.5); short protein forms L937Q, L1005Q, L880Q, L997Q.
Identifiers: ClinVar variation 2105864 (VCV002105864.4), dbSNP rs2506978733, ClinGen allele CA395840886.

ClinVar aggregate classification (germline): Uncertain significance (1 of 4 stars; one submission).

Conditions:
Nephronophthisis 14 (NPHP14). Identifiers: Orphanet 2318, MedGen C3539071, MONDO:0013916, OMIM 614844.

Submission:

Labcorp Genetics (formerly Invitae), Labcorp
Classification: Uncertain significance for Nephronophthisis 14. Last evaluated: 2023-10-30. Review status: criteria provided, single submitter. Criteria: Invitae Variant Classification Sherloc (09022015). Collection method: clinical testing. Allele origin: germline.
Comment: This sequence change replaces leucine, which is neutral and non-polar, with glutamine, which is neutral and polar, at codon 997 of the ZNF423 protein (p.Leu997Gln). This variant is not present in population databases (gnomAD no frequency). This variant has not been reported in the literature in individuals affected with ZNF423-related conditions. ClinVar contains an entry for this variant (Variation ID: 2105864). Advanced modeling of protein sequence and biophysical properties (such as structural, functional, and spatial information, amino acid conservation, physicochemical variation, residue mobility, and thermodynamic stability) performed at Invitae indicates that this missense variant is not expected to disrupt ZNF423 protein function with a negative predictive value of 80%. In summary, the available evidence is currently insufficient to determine the role of this variant in disease. Therefore, it has been classified as a Variant of Uncertain Significance.